The following is an entry in ClinVar:

ClinVar aggregate classification (germline): Benign. Review status: criteria provided, multiple submitters, no conflicts (2 of 4 stars). 2 submissions from 2 submitters: Benign (2). Last evaluated 2018-01-13.

Conditions:
Alport syndrome. Also called: Hemorrhagic familial nephritis; Hemorrhagic hereditary nephritis; Congenital hereditary hematuria. Identifiers: Orphanet 63, MedGen C1567741, MONDO:0018965.

Allele frequency attached by ClinVar (database versions not stated): 1000 Genomes Project 0.72903; 1000 Genomes Project 30x 0.72954; TOPMed 0.76389; gnomAD 0.77289; gnomAD exomes 0.85558.
gnomAD v4.1: 249,333 of 306,248 alleles (81%); highest among the groups gnomAD compares: Non-Finnish European, 88%; 103,101 homozygotes.

Submissions (2):

Illumina Laboratory Services, Illumina
Classification: Benign for Alport syndrome. Last evaluated: 2018-01-13. Review status: criteria provided, single submitter. Criteria: ICSL Variant Classification Criteria 13 December 2019. Collection method: clinical testing. Allele origin: germline.
Comment: This variant was observed in the ICSL laboratory as part of a predisposition screen in an ostensibly healthy population. It had not been previously curated by ICSL or reported in the Human Gene Mutation Database (HGMD: prior to June 1st, 2018), and was therefore a candidate for classification through an automated scoring system. Utilizing variant allele frequency, disease prevalence and penetrance estimates, and inheritance mode, an automated score was calculated to assess if this variant is too frequent to cause the disease. Based on the score and internal cut-off values, a variant classified as benign is not then subjected to further curation. The score for this variant resulted in a classification of benign for this disease.

Breakthrough Genomics
Classification: Benign. Review status: criteria provided, single submitter. Criteria: ACMG Guidelines, 2015. Collection method: not provided. Allele origin: germline. Inheritance: Autosomal recessive inheritance. Affected: yes.

NM_000091.5(COL4A3):c.*315A>C

Genes: COL4A3 (collagen type IV alpha 3 chain; plus strand), MFF-DT (MFF divergent transcript; minus strand). Cytogenetic location: 2q36.3.
Variant type: single nucleotide variant.
Coding change: c.*315A>C on transcript NM_000091.5 (MANE Select); 315 bases downstream of the stop codon, A replaced by C.
Molecular consequence: 3 prime UTR variant.
Genome position (GRCh38, 1-based): chr2:227,312,185, A>C. VCF-style: chr2-227312185-A-C. GRCh37 (hg19) VCF-style: chr2-228176901-A-C.
Identifiers: ClinVar variation 334792 (VCV000334792.6), dbSNP rs2070735, ClinGen allele CA10612677.